The following is an entry in ClinVar:

ClinVar aggregate classification (germline): Uncertain significance (1 of 4 stars; one submission).

Conditions:
Achondrogenesis, type IA (ACG1A). Identifiers: Orphanet 932, Orphanet 93299, MedGen C0265273, MONDO:0008701, OMIM 200600.

Allele frequency attached by ClinVar (database versions not stated): gnomAD exomes below 0.00001; TOPMed below 0.00001; gnomAD 0.00001.
gnomAD v4.1: 4 of 1,612,710 alleles (0.00025%); highest among the groups gnomAD compares: Admixed American, 0.005%; no homozygotes.

Submission:

Labcorp Genetics (formerly Invitae), Labcorp
Classification: Uncertain significance for Achondrogenesis, type IA. Last evaluated: 2017-12-21. Review status: criteria provided, single submitter. Criteria: Invitae Variant Classification Sherloc (09022015). Collection method: clinical testing. Allele origin: germline.
Comment: In summary, the available evidence is currently insufficient to determine the role of this variant in disease. Therefore, it has been classified as a Variant of Uncertain Significance. Algorithms developed to predict the effect of missense changes on protein structure and function do not agree on the potential impact of this missense change (SIFT: "Deleteroius"; PolyPhen-2: "Possibly Damaging"; Align-GVGD: "Class C0"). This variant has not been reported in the literature in individuals with TRIP11-related disease. This variant is not present in population databases (ExAC no frequency). This sequence change replaces aspartic acid with glycine at codon 516 of the TRIP11 protein (p.Asp516Gly). The aspartiic acid residue is weakly conserved and there is a moderate physicochemical difference between aspartic acid and glycine.

NM_004239.4(TRIP11):c.1547A>G (p.Asp516Gly)

Gene: TRIP11 (thyroid hormone receptor interactor 11; minus strand). Cytogenetic location: 14q32.12.
Variant type: single nucleotide variant.
Coding change: c.1547A>G on transcript NM_004239.4 (MANE Select); coding-DNA position 1547, A replaced by G.
Protein change: p.Asp516Gly; replaces aspartic acid 516 with glycine.
Molecular consequence: missense variant.
Genome position (GRCh38, 1-based): chr14:92,006,429, T>C on the plus strand (A>G on the coding strand, the complement: TRIP11 is on the minus strand). VCF-style: chr14-92006429-T-C. GRCh37 (hg19) VCF-style: chr14-92472773-T-C.
Other names: c.1544A>G, p.Asp515Gly (NM_001321851.1); short protein forms D516G, D515G.
Identifiers: ClinVar variation 528892 (VCV000528892.5), dbSNP rs1018806781, ClinGen allele CA265612614.